The following is an entry in ClinVar:

ClinVar aggregate classification (germline): Benign/Likely benign. Review status: criteria provided, multiple submitters, no conflicts (2 of 4 stars). 4 submissions from 4 submitters: Benign (1); Likely benign (2). 1 of the submissions does not count toward it. Last evaluated 2026-02-02.

Conditions:
Autosomal recessive congenital ichthyosis 6 (ARCI6). Identifiers: Orphanet 313, Orphanet 79394, MedGen C2677065, MONDO:0012847, OMIM 612281.
NIPAL4-related disorder. Also called: NIPAL4-related condition.

Allele frequency attached by ClinVar (database versions not stated): 1000 Genomes Project 30x 0.00094; 1000 Genomes Project 0.00120; ExAC 0.00277; gnomAD exomes 0.00280 and 0.00540; gnomAD 0.00304 and 0.00310; TOPMed 0.00311; ESP Exome Variant Server 0.00460.
gnomAD v4.1: 8,299 of 1,613,968 alleles (0.51%); highest among the groups gnomAD compares: Non-Finnish European, 0.66%; 26 homozygotes.

Submissions (4):

Labcorp Genetics (formerly Invitae), Labcorp
Classification: Benign. Last evaluated: 2026-02-02. Review status: criteria provided, single submitter. Criteria: Invitae Variant Classification Sherloc (09022015). Collection method: clinical testing. Allele origin: germline.

Blueprint Genetics
Classification: Likely benign. Last evaluated: 2024-11-25. Review status: criteria provided, single submitter. Criteria: ACMG Guidelines, 2015. Collection method: clinical testing. Allele origin: germline.

Illumina Laboratory Services, Illumina
Classification: Likely benign for Autosomal recessive congenital ichthyosis 6. Last evaluated: 2018-01-13. Review status: criteria provided, single submitter. Criteria: ICSL Variant Classification Criteria 13 December 2019. Collection method: clinical testing. Allele origin: germline.
Comment: This variant was observed in the ICSL laboratory as part of a predisposition screen in an ostensibly healthy population. It had not been previously curated by ICSL or reported in the Human Gene Mutation Database (HGMD: prior to June 1st, 2018), and was therefore a candidate for classification through an automated scoring system. Utilizing variant allele frequency, disease prevalence and penetrance estimates, and inheritance mode, an automated score was calculated to assess if this variant is too frequent to cause the disease. Based on the score and internal cut-off values, a variant classified as likely benign is not then subjected to further curation. The score for this variant resulted in a classification of likely benign for this disease.

PreventionGenetics, part of Exact Sciences
Classification: Likely benign for NIPAL4-related condition. Last evaluated: 2020-02-18. Review status: no assertion criteria provided. Collection method: clinical testing. Allele origin: germline. Not counted in ClinVar's aggregate classification.
Comment: This variant is classified as likely benign based on ACMG/AMP sequence variant interpretation guidelines (Richards et al. 2015 PMID: 25741868, with internal and published modifications).

NM_001099287.2(NIPAL4):c.110T>C (p.Val37Ala)

Gene: NIPAL4 (NIPA like domain containing 4; plus strand). Cytogenetic location: 5q33.3.
Variant type: single nucleotide variant.
Coding change: c.110T>C on transcript NM_001099287.2 (MANE Select); coding-DNA position 110, T replaced by C.
Protein change: p.Val37Ala; replaces valine 37 with alanine.
Molecular consequence: missense variant.
Genome position (GRCh38, 1-based): chr5:157,463,166, T>C. VCF-style: chr5-157463166-T-C. GRCh37 (hg19) VCF-style: chr5-156890174-T-C.
Other names: c.110T>C, p.Val37Ala (NM_001172292.2); short protein forms V99A, V37A.
Identifiers: ClinVar variation 352506 (VCV000352506.17), dbSNP rs183419459, ClinGen allele CA3534528.